The following is an entry in ClinVar:

ClinVar aggregate classification (germline): Benign. Review status: criteria provided, multiple submitters, no conflicts (2 of 4 stars). 3 submissions from 3 submitters: Benign (3). Last evaluated 2018-08-19.

Conditions:
Greenberg dysplasia (GRBGD). Also called: CHONDRODYSTROPHY, HYDROPIC AND PRENATALLY LETHAL TYPE; MOTH-EATEN SKELETAL DYSPLASIA; HEM SKELETAL DYSPLASIA. Identifiers: Orphanet 1426, MedGen C2931048, MONDO:0008974, OMIM 215140.

Allele frequency attached by ClinVar (database versions not stated): TOPMed 0.08120; gnomAD 0.08660 and 0.09170; 1000 Genomes Project 30x 0.10041; 1000 Genomes Project 0.10204; gnomAD exomes 0.12166.
gnomAD v4.1: 53,534 of 480,640 alleles (11%); highest among the groups gnomAD compares: South Asian, 25%; 3,851 homozygotes.

Submissions (3):

GeneDx
Classification: Benign. Last evaluated: 2018-08-19. Review status: criteria provided, single submitter. Criteria: GeneDx Variant Classification Process June 2021. Collection method: clinical testing. Allele origin: germline. Affected: yes.

Illumina Laboratory Services, Illumina
Classification: Benign for Greenberg dysplasia. Last evaluated: 2018-01-12. Review status: criteria provided, single submitter. Criteria: ICSL Variant Classification Criteria 13 December 2019. Collection method: clinical testing. Allele origin: germline.
Comment: This variant was observed in the ICSL laboratory as part of a predisposition screen in an ostensibly healthy population. It had not been previously curated by ICSL or reported in the Human Gene Mutation Database (HGMD: prior to June 1st, 2018), and was therefore a candidate for classification through an automated scoring system. Utilizing variant allele frequency, disease prevalence and penetrance estimates, and inheritance mode, an automated score was calculated to assess if this variant is too frequent to cause the disease. Based on the score and internal cut-off values, a variant classified as benign is not then subjected to further curation. The score for this variant resulted in a classification of benign for this disease.

Breakthrough Genomics
Classification: Benign. Review status: criteria provided, single submitter. Criteria: ACMG Guidelines, 2015. Collection method: not provided. Allele origin: germline. Inheritance: Autosomal recessive inheritance. Affected: yes.

NM_002296.4(LBR):c.*255C>G

Gene: LBR (lamin B receptor; minus strand). Cytogenetic location: 1q42.12.
Variant type: single nucleotide variant.
Coding change: c.*255C>G on transcript NM_002296.4 (MANE Select); 255 bases downstream of the stop codon, C replaced by G.
Molecular consequence: 3 prime UTR variant.
Genome position (GRCh38, 1-based): chr1:225,403,048, G>C on the plus strand (C>G on the coding strand, the complement: LBR is on the minus strand). VCF-style: chr1-225403048-G-C. GRCh37 (hg19) VCF-style: chr1-225590750-G-C.
Other names: c.*255C>G (NM_194442.3).
Identifiers: ClinVar variation 295928 (VCV000295928.7), dbSNP rs11551874, ClinGen allele CA10610209.
Genomic context (GRCh38, chr1:225,403,048, plus strand): 5'-ACATCAATAGCATTCTTCACAGTACATTTATATTAAGACTGTCTTCTGTTTTCAGATTAA[G>C]GGTTGAAAATTTCCCATTAAAATGCAAATTCTCACATCCTTACTTGTATTTTTCCTATGT-3'